The following is an entry in ClinVar:

NM_025137.4(SPG11):c.6952C>T (p.Arg2318Cys)

Gene: SPG11 (SPG11 vesicle trafficking associated, spatacsin; minus strand). Cytogenetic location: 15q21.1.
Variant type: single nucleotide variant.
Coding change: c.6952C>T on transcript NM_025137.4 (MANE Select); coding-DNA position 6952, C replaced by T.
Protein change: p.Arg2318Cys; replaces arginine 2318 with cysteine.
Molecular consequence: missense variant.
Genome position (GRCh38, 1-based): chr15:44,565,901, G>A on the plus strand (C>T on the coding strand, the complement: SPG11 is on the minus strand). VCF-style: chr15-44565901-G-A. GRCh37 (hg19) VCF-style: chr15-44858099-G-A.
Other names: c.6613C>T, p.Arg2205Cys (NM_001160227.2); short protein forms R2318C, R2205C.
Identifiers: ClinVar variation 534865 (VCV000534865.24), dbSNP rs377341108, ClinGen allele CA7533943.

ClinVar aggregate classification (germline): Uncertain significance. Review status: criteria provided, multiple submitters, no conflicts (2 of 4 stars). 9 submissions from 7 submitters: Uncertain significance (9). Last evaluated 2025-04-01.

Conditions:
Charcot-Marie-Tooth disease axonal type 2X. Also called: CHARCOT-MARIE-TOOTH DISEASE, AXONAL, AUTOSOMAL RECESSIVE, TYPE 2X; CHARCOT-MARIE-TOOTH NEUROPATHY, TYPE 2X. Identifiers: Orphanet 466775, MedGen C5569024, MONDO:0014726, OMIM 616668.
Amyotrophic lateral sclerosis type 5 (ALS5). Also called: AMYOTROPHIC LATERAL SCLEROSIS 5, JUVENILE. Identifiers: Orphanet 300605, MedGen C1865864, MONDO:0011196, OMIM 602099.
Inborn genetic diseases. Identifiers: MedGen C0950123, MeSH D030342.
Hereditary spastic paraplegia 11. Also called: SPASTIC PARAPLEGIA, AUTOSOMAL RECESSIVE, COMPLICATED, WITH THIN CORPUS CALLOSUM; SPASTIC PARAPLEGIA, AUTOSOMAL RECESSIVE, WITH MENTAL IMPAIRMENT AND THIN CORPUS CALLOSUM; Spastic Paraplegia 11; Nakamura Osame syndrome; Autosomal recessive hereditary spastic paraplegia, mental impairment, and thin corpus callosum; Spastic paraplegia, mental retardation and thin corpus callosum. Identifiers: Orphanet 2822, MedGen C1858479, MONDO:0011445, OMIM 604360.
Hereditary spastic paraplegia. Also called: Familial spastic paraparesis. Identifiers: Orphanet 685, MedGen C0037773, MONDO:0019064. Disease mechanism: loss of function.

Allele frequency attached by ClinVar (database versions not stated): gnomAD 0.00003 and 0.00004; gnomAD exomes 0.00003; TOPMed 0.00003; ExAC 0.00006; ESP Exome Variant Server 0.00015.
gnomAD v4.1: 190 of 1,613,616 alleles (0.012%); highest among the groups gnomAD compares: Middle Eastern, 0.016%; no homozygotes.

Submissions (9):

CeGaT Center for Human Genetics Tuebingen
Classification: Uncertain significance. Last evaluated: 2025-04-01. Review status: criteria provided, single submitter. Criteria: CeGaT Center For Human Genetics Tuebingen Variant Classification Criteria Version 2. Collection method: clinical testing. Allele origin: germline. Affected: yes. Observed: 1 variant allele.
Comment: SPG11: PM2

Labcorp Genetics (formerly Invitae), Labcorp
Classification: Uncertain significance for Hereditary spastic paraplegia 11. Last evaluated: 2022-05-22. Review status: criteria provided, single submitter. Criteria: Invitae Variant Classification Sherloc (09022015). Collection method: clinical testing. Allele origin: germline.
Comment: This sequence change replaces arginine, which is basic and polar, with cysteine, which is neutral and slightly polar, at codon 2318 of the SPG11 protein (p.Arg2318Cys). This variant is present in population databases (rs377341108, gnomAD 0.006%). This missense change has been observed in individual(s) with SPG11-related conditions (PMID: 33589474). ClinVar contains an entry for this variant (Variation ID: 534865). Algorithms developed to predict the effect of missense changes on protein structure and function are either unavailable or do not agree on the potential impact of this missense change (SIFT: "Deleterious"; PolyPhen-2: "Benign"; Align-GVGD: "Class C15"). In summary, the available evidence is currently insufficient to determine the role of this variant in disease. Therefore, it has been classified as a Variant of Uncertain Significance.

Ambry Genetics
Classification: Uncertain significance for Inborn genetic diseases. Last evaluated: 2022-04-15. Review status: criteria provided, single submitter. Criteria: Ambry Variant Classification Scheme 2023. Collection method: clinical testing. Allele origin: germline.
Comment: The p.R2318C variant (also known as c.6952C>T), located in coding exon 38 of the SPG11 gene, results from a C to T substitution at nucleotide position 6952. The arginine at codon 2318 is replaced by cysteine, an amino acid with highly dissimilar properties. This alteration has been detected in an individual with amyotrophic lateral sclerosis (ALS); however, clinical details were limited (Shepheard SR et al. J Neurol Neurosurg Psychiatry, 2021 05;92:510-518). This amino acid position is not well conserved in available vertebrate species, and cysteine is the reference amino acid in other vertebrate species. In addition, this alteration is predicted to be tolerated by in silico analysis. Since supporting evidence is limited at this time, the clinical significance of this alteration remains unclear.

Genome Diagnostics Laboratory, The Hospital for Sick Children
Classification: Uncertain significance for Hereditary spastic paraplegia. Last evaluated: 2021-03-01. Review status: criteria provided, single submitter. Criteria: ACMG Guidelines, 2015. Collection method: clinical testing. Allele origin: germline. Affected: yes.

Baylor Genetics
Classification: Uncertain significance for Amyotrophic lateral sclerosis type 5. Last evaluated: 2020-09-23. Review status: criteria provided, single submitter. Criteria: ACMG Guidelines, 2015. Collection method: clinical testing. Allele origin: unknown. Affected: yes.
Comment: This variant was determined to be of uncertain significance according to ACMG Guidelines, 2015 [PMID:25741868].

Centre for Mendelian Genomics, University Medical Centre Ljubljana
Classification: Uncertain significance for Hereditary spastic paraplegia 11. Last evaluated: 2018-11-28. Review status: criteria provided, single submitter. Criteria: ACMG Guidelines, 2015. Collection method: clinical testing. Allele origin: unknown. Affected: yes.
Comment: This variant was classified as: Uncertain significance. The available evidence on this variant's pathogenicity is insufficient or conflicting. The following ACMG criteria were applied in classifying this variant: PM2,PP3.

Genome-Nilou Lab
Classification: Uncertain significance for Amyotrophic lateral sclerosis type 5. Review status: criteria provided, single submitter. Criteria: ACMG Guidelines, 2015. Collection method: clinical testing. Allele origin: germline.

Genome-Nilou Lab
Classification: Uncertain significance for Charcot-Marie-Tooth disease axonal type 2X. Review status: criteria provided, single submitter. Criteria: ACMG Guidelines, 2015. Collection method: clinical testing. Allele origin: germline.

Genome-Nilou Lab
Classification: Uncertain significance for Hereditary spastic paraplegia 11. Review status: criteria provided, single submitter. Criteria: ACMG Guidelines, 2015. Collection method: clinical testing. Allele origin: germline.

Literature cited by the submitters: PubMed 33589474 (cited by Labcorp Genetics (formerly Invitae), Labcorp and Ambry Genetics).